The following is an entry in ClinVar:

ClinVar aggregate classification (germline): Uncertain significance (1 of 4 stars; one submission).

Conditions:
DOCK2 deficiency. Also called: Immunodeficiency 40. Identifiers: Orphanet 447737, MedGen C4225328, MONDO:0014637, OMIM 616433.

Allele frequency attached by ClinVar (database versions not stated): gnomAD exomes below 0.00001 and 0.00001; gnomAD 0.00001; TOPMed 0.00001; ExAC 0.00002.
gnomAD v4.1: 9 of 1,613,516 alleles (0.00056%); highest among the groups gnomAD compares: Non-Finnish European, 0.00068%; no homozygotes.

Submission:

Labcorp Genetics (formerly Invitae), Labcorp
Classification: Uncertain significance for DOCK2 deficiency. Last evaluated: 2022-08-16. Review status: criteria provided, single submitter. Criteria: Invitae Variant Classification Sherloc (09022015). Collection method: clinical testing. Allele origin: germline.
Comment: In summary, the available evidence is currently insufficient to determine the role of this variant in disease. Therefore, it has been classified as a Variant of Uncertain Significance. Algorithms developed to predict the effect of missense changes on protein structure and function are either unavailable or do not agree on the potential impact of this missense change (SIFT: "Tolerated"; PolyPhen-2: "Probably Damaging"; Align-GVGD: "Class C0"). ClinVar contains an entry for this variant (Variation ID: 1061273). This variant has not been reported in the literature in individuals affected with DOCK2-related conditions. This variant is present in population databases (rs778122455, gnomAD 0.002%). This sequence change replaces threonine, which is neutral and polar, with isoleucine, which is neutral and non-polar, at codon 652 of the DOCK2 protein (p.Thr652Ile).

NM_004946.3(DOCK2):c.1955C>T (p.Thr652Ile)

Gene: DOCK2 (dedicator of cytokinesis 2; plus strand). Cytogenetic location: 5q35.1.
Variant type: single nucleotide variant.
Coding change: c.1955C>T on transcript NM_004946.3 (MANE Select); coding-DNA position 1955, C replaced by T.
Protein change: p.Thr652Ile; replaces threonine 652 with isoleucine.
Molecular consequence: missense variant. On other transcripts: non-coding transcript variant (1).
Genome position (GRCh38, 1-based): chr5:169,716,226, C>T. VCF-style: chr5-169716226-C-T. GRCh37 (hg19) VCF-style: chr5-169143230-C-T.
Other names: short protein forms T652I.
Identifiers: ClinVar variation 1061273 (VCV001061273.5), dbSNP rs778122455, ClinGen allele CA3553635.
Genomic context (GRCh38, chr5:169,716,226, plus strand): 5'-ACTTTGTCTTGTTTCTGAAGTAGTGCAACCTTTGTTATTTCTTCCAGTTTCTCCAGGATA[C>T]TCTGGATGCCCTCTTCAACATCATGATGGAGCATTCTCAAAGTGATGAATATGACATCCT-3'
Protein context (NP_004937.1, residues 642-662): GEEVVKFLQD[Thr652Ile]LDALFNIMME